The following is an entry in ClinVar:

NM_001289125.3(IFNAR2):c.1154C>T (p.Pro385Leu)

Genes: IFNAR2 (interferon alpha and beta receptor subunit 2; plus strand), IFNAR2-IL10RB (IFNAR2-IL10RB readthrough; plus strand). Cytogenetic location: 21q22.11.
Variant type: single nucleotide variant.
Coding change: c.1154C>T on transcript NM_001289125.3 (MANE Select); coding-DNA position 1154, C replaced by T.
Protein change: p.Pro385Leu; replaces proline 385 with leucine.
Molecular consequence: missense variant. On other transcripts: 3 prime UTR variant (5).
Genome position (GRCh38, 1-based): chr21:33,263,106, C>T. VCF-style: chr21-33263106-C-T. GRCh37 (hg19) VCF-style: chr21-34635411-C-T.
Other names: c.*390C>T (NM_000874.5, NM_207584.3); c.*303C>T (NM_001289126.2, NM_001289128.2); c.*529C>T (NM_001385054.1); c.1154C>T, p.Pro385Leu (NM_001385055.1, NM_207585.3); short protein forms P385L.
Identifiers: ClinVar variation 1357075 (VCV001357075.8), dbSNP rs1231284605, ClinGen allele CA410105280.

ClinVar aggregate classification (germline): Uncertain significance (1 of 4 stars; one submission).

Allele frequency attached by ClinVar (database versions not stated): TOPMed 0.00004.

Submission:

Labcorp Genetics (formerly Invitae), Labcorp
Classification: Uncertain significance. Last evaluated: 2021-01-29. Review status: criteria provided, single submitter. Criteria: Invitae Variant Classification Sherloc (09022015). Collection method: clinical testing. Allele origin: germline.
Comment: In summary, the available evidence is currently insufficient to determine the role of this variant in disease. Therefore, it has been classified as a Variant of Uncertain Significance. Algorithms developed to predict the effect of missense changes on protein structure and function output the following: SIFT: "Tolerated"; PolyPhen-2: "Probably Damaging"; Align-GVGD: "Class C0". The leucine amino acid residue is found in multiple mammalian species, suggesting that this missense change does not adversely affect protein function. These predictions have not been confirmed by published functional studies and their clinical significance is uncertain. This variant has not been reported in the literature in individuals with IFNAR2-related conditions. This variant is not present in population databases (ExAC no frequency). This sequence change replaces proline with leucine at codon 385 of the IFNAR2 protein (p.Pro385Leu). The proline residue is weakly conserved and there is a moderate physicochemical difference between proline and leucine.